The following is an entry in ClinVar:

NM_017654.4(SAMD9):c.2068T>C (p.Ser690Pro)

Gene: SAMD9 (sterile alpha motif domain containing 9; minus strand). Cytogenetic location: 7q21.2.
Variant type: single nucleotide variant.
Coding change: c.2068T>C on transcript NM_017654.4 (MANE Select); coding-DNA position 2068, T replaced by C.
Protein change: p.Ser690Pro; replaces serine 690 with proline.
Molecular consequence: missense variant.
Genome position (GRCh38, 1-based): chr7:93,104,030, A>G on the plus strand (T>C on the coding strand, the complement: SAMD9 is on the minus strand). VCF-style: chr7-93104030-A-G. GRCh37 (hg19) VCF-style: chr7-92733343-A-G.
Other names: c.2068T>C, p.Ser690Pro (NM_001193307.2); short protein forms S690P.
Identifiers: ClinVar variation 3792156 (VCV003792156.1).

ClinVar aggregate classification (germline): Uncertain significance (1 of 4 stars; one submission).

Conditions:
Inborn genetic diseases. Identifiers: MedGen C0950123, MeSH D030342.

gnomAD v4.1: 2 of 1,613,860 alleles (0.00012%); no homozygotes.

Submission:

Ambry Genetics
Classification: Uncertain significance for Inborn genetic diseases. Last evaluated: 2025-03-07. Review status: criteria provided, single submitter. Criteria: Ambry Variant Classification Scheme 2023. Collection method: clinical testing. Allele origin: germline.
Comment: The p.S690P variant (also known as c.2068T>C), located in coding exon 1 of the SAMD9 gene, results from a T to C substitution at nucleotide position 2068. The serine at codon 690 is replaced by proline, an amino acid with similar properties. This amino acid position is conserved. In addition, the in silico prediction for this alteration is inconclusive. Based on the available evidence, the clinical significance of this variant remains unclear.